The following is an entry in ClinVar:

ClinVar aggregate classification (germline): Conflicting classifications of pathogenicity. Review status: criteria provided, conflicting classifications (1 of 4 stars). 6 submissions from 6 submitters: Uncertain significance (5); Likely benign (1). Last evaluated 2026-02-02.

Conditions:
Hereditary cancer-predisposing syndrome. Also called: Tumor predisposition; Hereditary Cancer Syndrome; Neoplastic Syndromes, Hereditary; Hereditary neoplastic syndrome. Identifiers: Orphanet 140162, MedGen C0027672, MeSH D009386, MONDO:0015356.
Familial adenomatous polyposis 2. Also called: MYH-associated polyposis; FAP type 2; ADENOMAS, MULTIPLE COLORECTAL, AUTOSOMAL RECESSIVE; MUTYH Polyposis; MUTYH-associated polyposis; MUTYH-related attenuated familial adenomatous polyposis. Identifiers: Orphanet 220460, Orphanet 247798, MedGen C3272841, MONDO:0012041, OMIM 608456.

Allele frequency attached by ClinVar (database versions not stated): gnomAD 0.00001; gnomAD exomes 0.00002.
gnomAD v4.1: 23 of 1,613,956 alleles (0.0014%); highest among the groups gnomAD compares: East Asian, 0.049%; no homozygotes.

Submissions (8):

Labcorp Genetics (formerly Invitae), Labcorp
Classification: Likely benign for Familial adenomatous polyposis 2. Last evaluated: 2026-02-02. Review status: criteria provided, single submitter. Criteria: Invitae Variant Classification Sherloc (09022015). Collection method: clinical testing. Allele origin: germline.

Ambry Genetics
Classification: Uncertain significance for Hereditary cancer-predisposing syndrome. Last evaluated: 2025-05-29. Review status: criteria provided, single submitter. Criteria: Ambry Variant Classification Scheme 2023. Collection method: clinical testing. Allele origin: germline.
Comment: The c.37-5T>G intronic variant results from a T to G substitution 5 nucleotides upstream from coding exon 2 in the MUTYH gene. This nucleotide position is highly conserved in available vertebrate species. In silico splice site analysis predicts that this alteration will not have any significant effect on splicing; however, direct evidence is insufficient at this time (Ambry internal data). Based on the available evidence, the clinical significance of this variant remains unclear.

Women's Health and Genetics/Laboratory Corporation of America, LabCorp
Classification: Uncertain significance. Last evaluated: 2025-04-28. Review status: criteria provided, single submitter. Criteria: LabCorp Variant Classification Summary - May 2015. Collection method: clinical testing. Allele origin: germline.
Comment: Variant summary: MUTYH c.37-5T>G alters a conserved nucleotide located at a position not widely known to affect splicing. Several computational tools predict a significant impact on normal splicing: Three predict the variant weakens a 3 acceptor site. One predict the variant no significant impact on splicing. However, these predictions have yet to be confirmed by functional studies. The variant was absent in 251466 control chromosomes. The available data on variant occurrences in the general population are insufficient to allow any conclusion about variant significance. To our knowledge, no occurrence of c.37-5T>G in individuals affected with MUTYH-Associated Polyposis and no experimental evidence demonstrating its impact on protein function have been reported. ClinVar contains an entry for this variant (Variation ID: 233892). Based on the evidence outlined above, the variant was classified as uncertain significance.

All of Us Research Program, National Institutes of Health
Classification: Uncertain significance for Familial adenomatous polyposis 2. Last evaluated: 2023-12-01. Review status: criteria provided, single submitter. Criteria: ACMG Guidelines, 2015. Collection method: clinical testing. Allele origin: germline. Inheritance: Autosomal recessive inheritance. Observed: 2 variant alleles, 2 heterozygotes.
Comment: This variant causes a T to G nucleotide substitution at the -5 position of intron 1 of the MUTYH gene. Splice site prediction tools are inconclusive regarding the impact of this variant on RNA splicing. To our knowledge, functional studies have not been reported for this variant. This variant has not been reported in individuals affected with MUTYH-related disorders in the literature. This variant has not been identified in the general population by the Genome Aggregation Database (gnomAD). The available evidence is insufficient to determine the role of this variant in disease conclusively. Therefore, this variant is classified as a Variant of Uncertain Significance.

This study involves interpretation of variants in research participants for the purpose of population health screening. Participant phenotype was not available at the time of variant classification. Additional details can be found in publication PMID: 35346344, PMCID: PMC8962531

Color Diagnostics, LLC DBA Color Health
Classification: Uncertain significance for Hereditary cancer-predisposing syndrome. Last evaluated: 2023-05-24. Review status: criteria provided, single submitter. Criteria: ACMG Guidelines, 2015. Collection method: clinical testing. Allele origin: germline.
Comment: This variant causes a T to G nucleotide substitution at the -5 position of intron 1 of the MUTYH gene. Splice site prediction tools are inconclusive regarding the impact of this variant on RNA splicing. To our knowledge, functional studies have not been reported for this variant. This variant has not been reported in individuals affected with MUTYH-related disorders in the literature. This variant has not been identified in the general population by the Genome Aggregation Database (gnomAD). The available evidence is insufficient to determine the role of this variant in disease conclusively. Therefore, this variant is classified as a Variant of Uncertain Significance.

GeneDx
Classification: Uncertain significance. Last evaluated: 2016-04-28. Review status: criteria provided, single submitter. Criteria: GeneDx Variant Classification (06012015). Collection method: clinical testing. Allele origin: germline. Affected: yes.
Comment: This variant is denoted MUTYH c.37-5T>G or IVS1-5T>G and consists of a T>G nucleotide substitution at the -5 position of intron 1 of the MUTYH gene. Multiple in silico models predict this variant to damage the nearby natural acceptor site and to possibly cause abnormal gene splicing; however, in the absence of RNA or functional studies, the actual effect of this variant is unknown. This variant has not, to our knowledge, been published in the literature as pathogenic or benign. MUTYH c.37-5T>G was not observed in approximately 6,500 individuals of European and African American ancestry in the NHLBI Exome Sequencing Project, suggesting it is not a common benign variant in these populations. The thymine (T) nucleotide that is altered is conserved through mammals. Based on currently available information, it is unclear whether MUTYH c.37-5T>G is pathogenic or benign. We consider it to be a variant of uncertain significance.

Dr. Peter K. Rogan Lab, Western University
No classification provided (evidence only). Condition: Hepatocellular carcinoma. Review status: no classification provided. Collection method: in vitro. Allele origin: not applicable. Functional consequence: retained intron. Not counted in ClinVar's aggregate classification.

Dr. Peter K. Rogan Lab, Western University
No classification provided (evidence only). Condition: Hepatocellular carcinoma. Review status: no classification provided. Collection method: in vitro. Allele origin: not applicable. Functional consequence: retained intron. Not counted in ClinVar's aggregate classification.

NM_001048174.2(MUTYH):c.-6-5T>G

Gene: MUTYH (mutY DNA glycosylase; minus strand). Cytogenetic location: 1p34.1.
Variant type: single nucleotide variant.
Coding change: c.-6-5T>G on transcript NM_001048174.2 (MANE Select); 5 bases into the intron before 6 bases upstream of the start codon, T replaced by G.
Molecular consequence: intron variant.
Genome position (GRCh38, 1-based): chr1:45,334,516, A>C on the plus strand (T>G on the coding strand, the complement: MUTYH is on the minus strand). VCF-style: chr1-45334516-A-C. GRCh37 (hg19) VCF-style: chr1-45800188-A-C.
Other names: c.-213-5T>G (NM_001350651.2); c.-218-5T>G (NM_001293192.2, NM_001293196.2); c.-277-5T>G (NM_001350650.2); c.-6-5T>G (NM_001048171.2, NM_001048173.2, NM_001048172.2 and 2 more transcripts); c.37-5T>G (NM_001293190.2, NM_012222.3, NM_001128425.2).
Identifiers: ClinVar variation 233892 (VCV000233892.23), dbSNP rs876660715, ClinGen allele CA10577752.
Genomic context (GRCh38, chr1:45,334,516, plus strand): 5'-GCTGCCTGCTTCCTGTGACCACTTCCCACGGCTGCTCGTGGCTTCCTCATGATGGCCTGA[A>C]ACAAAAAGACCCAGCCAAAGCAGTCAGTCACAATGAGGCCAAATTTTGAGGCCTTCCAAG-3'